The following is an entry in ClinVar:

ClinVar aggregate classification (germline): Uncertain significance (1 of 4 stars; one submission).

Conditions:
Cardiovascular phenotype. Identifiers: MedGen CN230736.

gnomAD v4.1: 2 of 1,613,956 alleles (0.00012%); highest among the groups gnomAD compares: Admixed American, 0.0017%; no homozygotes.

Submission:

Ambry Genetics
Classification: Uncertain significance for Cardiovascular phenotype. Last evaluated: 2024-10-27. Review status: criteria provided, single submitter. Criteria: Ambry Variant Classification Scheme 2023. Collection method: clinical testing. Allele origin: germline.
Comment: The p.G302R variant (also known as c.904G>C), located in coding exon 11 of the TXNRD2 gene, results from a G to C substitution at nucleotide position 904. The glycine at codon 302 is replaced by arginine, an amino acid with dissimilar properties. This amino acid position is conserved. In addition, this alteration is predicted to be tolerated by in silico analysis. Based on the available evidence, the clinical significance of this variant remains unclear.

NM_006440.5(TXNRD2):c.904G>C (p.Gly302Arg)

Gene: TXNRD2 (thioredoxin reductase 2; minus strand). Cytogenetic location: 22q11.21.
Variant type: single nucleotide variant.
Coding change: c.904G>C on transcript NM_006440.5 (MANE Select); coding-DNA position 904, G replaced by C.
Protein change: p.Gly302Arg; replaces glycine 302 with arginine.
Molecular consequence: missense variant. On other transcripts: non-coding transcript variant (1).
Genome position (GRCh38, 1-based): chr22:19,895,452, C>G on the plus strand (G>C on the coding strand, the complement: TXNRD2 is on the minus strand). VCF-style: chr22-19895452-C-G. GRCh37 (hg19) VCF-style: chr22-19882975-C-G.
Other names: c.904G>C, p.Gly302Arg (NM_001282512.3); c.901G>C, p.Gly301Arg (NM_001352300.2); c.814G>C, p.Gly272Arg (NM_001352301.2); c.616G>C, p.Gly206Arg (NM_001352302.2); c.808G>C, p.Gly270Arg (NM_001352303.2); short protein forms G206R, G302R, G272R, G270R, G301R.
Identifiers: ClinVar variation 3464742 (VCV003464742.1).